The following is an entry in ClinVar:

ClinVar aggregate classification (germline): Uncertain significance (1 of 4 stars; one submission).

Allele frequency attached by ClinVar (database versions not stated): TOPMed below 0.00001; gnomAD 0.00001; 1000 Genomes Project 30x 0.00016.
gnomAD v4.1: 5 of 1,520,372 alleles (0.00033%); highest among the groups gnomAD compares: South Asian, 0.0049%; no homozygotes.

Submission:

Labcorp Genetics (formerly Invitae), Labcorp
Classification: Uncertain significance. Last evaluated: 2022-07-01. Review status: criteria provided, single submitter. Criteria: Invitae Variant Classification Sherloc (09022015). Collection method: clinical testing. Allele origin: germline.
Comment: In summary, the available evidence is currently insufficient to determine the role of this variant in disease. Therefore, it has been classified as a Variant of Uncertain Significance. Algorithms developed to predict the effect of missense changes on protein structure and function are either unavailable or do not agree on the potential impact of this missense change (SIFT: "Deleterious"; PolyPhen-2: "Probably Damaging"; Align-GVGD: "Class C0"). This variant has not been reported in the literature in individuals affected with TTPA-related conditions. This variant is not present in population databases (gnomAD no frequency). This sequence change replaces arginine, which is basic and polar, with tryptophan, which is neutral and slightly polar, at codon 32 of the TTPA protein (p.Arg32Trp).

NM_000370.3(TTPA):c.94C>T (p.Arg32Trp)

Gene: TTPA (alpha tocopherol transfer protein; minus strand). Cytogenetic location: 8q12.3.
Variant type: single nucleotide variant.
Coding change: c.94C>T on transcript NM_000370.3 (MANE Select); coding-DNA position 94, C replaced by T.
Protein change: p.Arg32Trp; replaces arginine 32 with tryptophan.
Molecular consequence: missense variant.
Genome position (GRCh38, 1-based): chr8:63,085,928, G>A on the plus strand (C>T on the coding strand, the complement: TTPA is on the minus strand). VCF-style: chr8-63085928-G-A. GRCh37 (hg19) VCF-style: chr8-63998487-G-A.
Other names: c.94C>T, p.Arg32Trp (NM_001413414.1, NM_001413415.1, NM_001413416.1 and 2 more transcripts); short protein forms R32W.
Identifiers: ClinVar variation 1899285 (VCV001899285.5), dbSNP rs926300177, ClinGen allele CA178858406.